The following is an entry in ClinVar:

NM_001164508.2(NEB):c.9921G>A (p.Met3307Ile)

Gene: NEB (nebulin; minus strand). Cytogenetic location: 2q23.3.
Variant type: single nucleotide variant.
Coding change: c.9921G>A on transcript NM_001164508.2 (MANE Select); coding-DNA position 9921, G replaced by A.
Protein change: p.Met3307Ile; replaces methionine 3307 with isoleucine.
Molecular consequence: missense variant.
Genome position (GRCh38, 1-based): chr2:151,627,745, C>T on the plus strand (G>A on the coding strand, the complement: NEB is on the minus strand). VCF-style: chr2-151627745-C-T. GRCh37 (hg19) VCF-style: chr2-152484259-C-T.
Other names: c.9921G>A, p.Met3307Ile (NM_001164507.2, NM_001271208.2); c.9192G>A, p.Met3064Ile (NM_004543.5); short protein forms M3307I, M3064I.
Identifiers: ClinVar variation 534033 (VCV000534033.10), dbSNP rs756185799, ClinGen allele CA1909160.

ClinVar aggregate classification (germline): Uncertain significance. Review status: criteria provided, single submitter (1 of 4 stars). 2 submissions from 2 submitters: Uncertain significance (1). 1 of the submissions does not count toward it. Last evaluated 2021-09-01.

Conditions:
Nemaline myopathy 2 (NEM2). Also called: Nemaline myopathy 2, autosomal recessive. Identifiers: MedGen C1850569, MONDO:0009725, OMIM 256030.

Allele frequency attached by ClinVar (database versions not stated): gnomAD below 0.00001 and 0.00001; gnomAD exomes 0.00001 and 0.00004; ExAC 0.00003.
gnomAD v4.1: 18 of 1,613,856 alleles (0.0011%); highest among the groups gnomAD compares: South Asian, 0.019%; no homozygotes.

Submissions (2):

Labcorp Genetics (formerly Invitae), Labcorp
Classification: Uncertain significance for Nemaline myopathy 2. Last evaluated: 2021-09-01. Review status: criteria provided, single submitter. Criteria: Invitae Variant Classification Sherloc (09022015). Collection method: clinical testing. Allele origin: germline.
Comment: This sequence change replaces methionine with isoleucine at codon 3307 of the NEB protein (p.Met3307Ile). The methionine residue is moderately conserved and there is a small physicochemical difference between methionine and isoleucine. This variant is present in population databases (rs756185799, ExAC 0.02%). This variant has not been reported in the literature in individuals affected with NEB-related conditions. Algorithms developed to predict the effect of missense changes on protein structure and function are either unavailable or do not agree on the potential impact of this missense change (SIFT: "Deleterious"; PolyPhen-2: "Not Available"; Align-GVGD: "Class C0"). In summary, the available evidence is currently insufficient to determine the role of this variant in disease. Therefore, it has been classified as a Variant of Uncertain Significance.

Natera, Inc.
Classification: Uncertain significance for Nemaline myopathy type 2. Last evaluated: 2019-11-11. Review status: no assertion criteria provided. Collection method: clinical testing. Allele origin: germline. Not counted in ClinVar's aggregate classification.